The following is an entry in ClinVar:

NM_001367624.2(ZNF469):c.5888A>C (p.Gln1963Pro)

Gene: ZNF469 (zinc finger protein 469; plus strand). Cytogenetic location: 16q24.2.
Variant type: single nucleotide variant.
Coding change: c.5888A>C on transcript NM_001367624.2 (MANE Select); coding-DNA position 5888, A replaced by C.
Protein change: p.Gln1963Pro; replaces glutamine 1963 with proline.
Molecular consequence: missense variant.
Genome position (GRCh38, 1-based): chr16:88,433,358, A>C. VCF-style: chr16-88433358-A-C. GRCh37 (hg19) VCF-style: chr16-88499766-A-C.
Other names: short protein forms Q1963P.
Identifiers: ClinVar variation 1922891 (VCV001922891.2), dbSNP rs1248326391, ClinGen allele CA397102927.

ClinVar aggregate classification (germline): Uncertain significance (1 of 4 stars; one submission).

Allele frequency attached by ClinVar (database versions not stated): gnomAD 0.00001.
gnomAD v4.1: 6 of 1,550,130 alleles (0.00039%); highest among the groups gnomAD compares: South Asian, 0.0048%; no homozygotes.

Submission:

Labcorp Genetics (formerly Invitae), Labcorp
Classification: Uncertain significance. Last evaluated: 2022-05-27. Review status: criteria provided, single submitter. Criteria: Invitae Variant Classification Sherloc (09022015). Collection method: clinical testing. Allele origin: germline.
Comment: This sequence change replaces glutamine, which is neutral and polar, with proline, which is neutral and non-polar, at codon 1935 of the ZNF469 protein (p.Gln1935Pro). This variant is present in population databases (no rsID available, gnomAD 0.009%). This variant has not been reported in the literature in individuals affected with ZNF469-related conditions. Algorithms developed to predict the effect of missense changes on protein structure and function output the following: SIFT: "Tolerated"; PolyPhen-2: "Benign"; Align-GVGD: "Class C0". The proline amino acid residue is found in multiple mammalian species, which suggests that this missense change does not adversely affect protein function. In summary, the available evidence is currently insufficient to determine the role of this variant in disease. Therefore, it has been classified as a Variant of Uncertain Significance.